The following is an entry in ClinVar:

ClinVar aggregate classification (germline): Uncertain significance (1 of 4 stars; one submission).

Allele frequency attached by ClinVar (database versions not stated): gnomAD 0.00001; ExAC 0.00005.
gnomAD v4.1: 17 of 1,613,546 alleles (0.0011%); highest among the groups gnomAD compares: Non-Finnish European, 0.0014%; no homozygotes.

Submission:

Labcorp Genetics (formerly Invitae), Labcorp
Classification: Uncertain significance. Last evaluated: 2021-12-19. Review status: criteria provided, single submitter. Criteria: Invitae Variant Classification Sherloc (09022015). Collection method: clinical testing. Allele origin: germline.
Comment: This sequence change replaces threonine, which is neutral and polar, with arginine, which is basic and polar, at codon 954 of the AEBP1 protein (p.Thr954Arg). This variant is present in population databases (rs757167277, gnomAD 0.005%). This variant has not been reported in the literature in individuals affected with AEBP1-related conditions. Algorithms developed to predict the effect of missense changes on protein structure and function are either unavailable or do not agree on the potential impact of this missense change (SIFT: "Deleterious"; PolyPhen-2: "Probably Damaging"; Align-GVGD: "Class C0"). In summary, the available evidence is currently insufficient to determine the role of this variant in disease. Therefore, it has been classified as a Variant of Uncertain Significance.

NM_001129.5(AEBP1):c.2861C>G (p.Thr954Arg)

Gene: AEBP1 (AE binding protein 1; plus strand). Cytogenetic location: 7p13.
Variant type: single nucleotide variant.
Coding change: c.2861C>G on transcript NM_001129.5 (MANE Select); coding-DNA position 2861, C replaced by G.
Protein change: p.Thr954Arg; replaces threonine 954 with arginine.
Molecular consequence: missense variant.
Genome position (GRCh38, 1-based): chr7:44,113,645, C>G. VCF-style: chr7-44113645-C-G. GRCh37 (hg19) VCF-style: chr7-44153244-C-G.
Other names: short protein forms T954R.
Identifiers: ClinVar variation 1977845 (VCV001977845.2), dbSNP rs757167277, ClinGen allele CA4238349.